The following is an entry in ClinVar:

ClinVar aggregate classification (germline): Likely benign (1 of 4 stars; one submission).

Allele frequency attached by ClinVar (database versions not stated): ExAC 0.00002; gnomAD 0.00003; TOPMed 0.00005; ESP Exome Variant Server 0.00008.
gnomAD v4.1: 40 of 1,613,960 alleles (0.0025%); highest among the groups gnomAD compares: African/African-American, 0.008%; no homozygotes.

Submission:

CeGaT Center for Human Genetics Tuebingen
Classification: Likely benign. Last evaluated: 2023-10-01. Review status: criteria provided, single submitter. Criteria: CeGaT Center For Human Genetics Tuebingen Variant Classification Criteria Version 2. Collection method: clinical testing. Allele origin: germline. Affected: yes. Observed: 1 variant allele.
Comment: ALDH4A1: BP4, BP7

NM_003748.4(ALDH4A1):c.1347C>T (p.Phe449=)

Genes: ALDH4A1 (aldehyde dehydrogenase 4 family member A1; minus strand), LOC120893116 (Sharpr-MPRA regulatory region 7483; plus strand). Cytogenetic location: 1p36.13.
Variant type: single nucleotide variant.
Coding change: c.1347C>T on transcript NM_003748.4 (MANE Select); coding-DNA position 1347, C replaced by T.
Protein change: p.Phe449=; no amino-acid change (phenylalanine 449 retained).
Molecular consequence: synonymous variant.
Genome position (GRCh38, 1-based): chr1:18,875,495, G>A on the plus strand (C>T on the coding strand, the complement: ALDH4A1 is on the minus strand). VCF-style: chr1-18875495-G-A. GRCh37 (hg19) VCF-style: chr1-19201989-G-A.
Other names: c.1167C>T, p.Phe389= (NM_001161504.2); c.1194C>T, p.Phe398= (NM_001319218.2); c.1347C>T, p.Phe449= (NM_170726.3).
Identifiers: ClinVar variation 2582852 (VCV002582852.25), dbSNP rs200384496, ClinGen allele CA646934.